The following is an entry in ClinVar:

NM_052947.4(ALPK2):c.1186G>A (p.Ala396Thr)

Genes: ALPK2 (alpha kinase 2; minus strand), LOC114803473 (ALPK2 eExon liver enhancer; plus strand). Cytogenetic location: 18q21.31.
Variant type: single nucleotide variant.
Coding change: c.1186G>A on transcript NM_052947.4 (MANE Select); coding-DNA position 1186, G replaced by A.
Protein change: p.Ala396Thr; replaces alanine 396 with threonine.
Molecular consequence: missense variant.
Genome position (GRCh38, 1-based): chr18:58,579,590, C>T on the plus strand (G>A on the coding strand, the complement: ALPK2 is on the minus strand). VCF-style: chr18-58579590-C-T. GRCh37 (hg19) VCF-style: chr18-56246822-C-T.
Other names: short protein forms A396T.
Identifiers: ClinVar variation 3228559 (VCV003228559.1), dbSNP rs2518899343, ClinGen allele CA402564256.

ClinVar aggregate classification (germline): Uncertain significance (1 of 4 stars; one submission).

Allele frequency attached by ClinVar (database versions not stated): gnomAD exomes below 0.00001.
gnomAD v4.1: 1 of 1,613,702 alleles (0.000062%); highest among the groups gnomAD compares: Non-Finnish European, 0.000085%; no homozygotes.

Submission:

Ambry Genetics
Classification: Uncertain significance. Last evaluated: 2024-02-11. Review status: criteria provided, single submitter. Criteria: Ambry Variant Classification Scheme 2023. Collection method: clinical testing. Allele origin: germline.
Comment: The p.A396T variant (also known as c.1186G>A), located in coding exon 3 of the ALPK2 gene, results from a G to A substitution at nucleotide position 1186. The alanine at codon 396 is replaced by threonine, an amino acid with similar properties. This amino acid position is conserved. In addition, this alteration is predicted to be tolerated by in silico analysis. Based on the available evidence, the clinical significance of this alteration remains unclear.